The following is an entry in ClinVar:

ClinVar aggregate classification (germline): Conflicting classifications of pathogenicity. Review status: criteria provided, conflicting classifications (1 of 4 stars). 2 submissions from 1 submitter: Uncertain significance (1); Likely benign (1). Last evaluated 2018-01-13.

Conditions:
Tumoral calcinosis, hyperphosphatemic, familial, 2. Identifiers: MedGen C4693863, MONDO:0060714, OMIM 617993.
Autosomal dominant hypophosphatemic rickets (ADHR). Also called: HYPOPHOSPHATEMIA, AUTOSOMAL DOMINANT; VITAMIN D-RESISTANT RICKETS, AUTOSOMAL DOMINANT. Identifiers: Orphanet 89937, MedGen C0342642, MONDO:0008660, OMIM 193100.

Allele frequency attached by ClinVar (database versions not stated): TOPMed below 0.00001; gnomAD 0.00001; gnomAD exomes 0.00001; ExAC 0.00002; ESP Exome Variant Server 0.00008.
gnomAD v4.1: 2 of 1,613,478 alleles (0.00012%); highest among the groups gnomAD compares: Non-Finnish European, 0.000085%; no homozygotes.

Submissions (2):

Illumina Laboratory Services, Illumina
Classification: Uncertain significance for Tumoral calcinosis, hyperphosphatemic, familial, 2. Last evaluated: 2018-01-13. Review status: criteria provided, single submitter. Criteria: ICSL Variant Classification Criteria 13 December 2019. Collection method: clinical testing. Allele origin: germline.

Illumina Laboratory Services, Illumina
Classification: Likely benign for Autosomal dominant hypophosphatemic rickets. Last evaluated: 2018-01-13. Review status: criteria provided, single submitter. Criteria: ICSL Variant Classification Criteria 13 December 2019. Collection method: clinical testing. Allele origin: germline.
Comment: This variant was observed in the ICSL laboratory as part of a predisposition screen in an ostensibly healthy population. It had not been previously curated by ICSL or reported in the Human Gene Mutation Database (HGMD: prior to June 1st, 2018), and was therefore a candidate for classification through an automated scoring system. Utilizing variant allele frequency, disease prevalence and penetrance estimates, and inheritance mode, an automated score was calculated to assess if this variant is too frequent to cause the disease. Based on the score and internal cut-off values, a variant classified as likely benign is not then subjected to further curation. The score for this variant resulted in a classification of likely benign for this disease.

NM_020638.3(FGF23):c.138A>G (p.Thr46=)

Gene: FGF23 (fibroblast growth factor 23; minus strand). Cytogenetic location: 12p13.32.
Variant type: single nucleotide variant.
Coding change: c.138A>G on transcript NM_020638.3 (MANE Select); coding-DNA position 138, A replaced by G.
Protein change: p.Thr46=; no amino-acid change (threonine 46 retained).
Molecular consequence: synonymous variant.
Genome position (GRCh38, 1-based): chr12:4,379,445, T>C on the plus strand (A>G on the coding strand, the complement: FGF23 is on the minus strand). VCF-style: chr12-4379445-T-C. GRCh37 (hg19) VCF-style: chr12-4488611-T-C.
Identifiers: ClinVar variation 882164 (VCV000882164.4), dbSNP rs368115734, ClinGen allele CA6395775.
Genomic context (GRCh38, chr12:4,379,445, plus strand): 5'-ATGGGGTGCGCCATCCACATGGCCATTCTTGTGGATCTGCAGGTGGTAGCTGTTCCTGGC[T>C]GTGGCTGTGTACAGGTGGATCAGGCCACCCCAGCTGGAGCCGAGCAGTGGGGAGGCATTG-3'
Protein context (NP_065689.1, residues 36-56): WGGLIHLYTA[Thr46=]ARNSYHLQIH